The following is an entry in ClinVar:

ClinVar aggregate classification (germline): Conflicting classifications of pathogenicity. Review status: criteria provided, conflicting classifications (1 of 4 stars). 3 submissions from 3 submitters: Uncertain significance (2); Likely benign (1). Last evaluated 2025-06-02.

Conditions:
Inborn genetic diseases. Identifiers: MedGen C0950123, MeSH D030342.

Allele frequency attached by ClinVar (database versions not stated): ExAC 0.00003; gnomAD 0.00003; gnomAD exomes 0.00003; TOPMed 0.00004.
gnomAD v4.1: 41 of 1,612,772 alleles (0.0025%); highest among the groups gnomAD compares: Non-Finnish European, 0.0034%; no homozygotes.

Submissions (3):

Labcorp Genetics (formerly Invitae), Labcorp
Classification: Uncertain significance. Last evaluated: 2025-06-02. Review status: criteria provided, single submitter. Criteria: Invitae Variant Classification Sherloc (09022015). Collection method: clinical testing. Allele origin: germline.
Comment: This sequence change replaces arginine, which is basic and polar, with histidine, which is basic and polar, at codon 1167 of the KMT2E protein (p.Arg1167His). This variant is present in population databases (rs766272038, gnomAD 0.005%). This variant has not been reported in the literature in individuals affected with KMT2E-related conditions. ClinVar contains an entry for this variant (Variation ID: 2232054). Invitae Evidence Modeling of protein sequence and biophysical properties (such as structural, functional, and spatial information, amino acid conservation, physicochemical variation, residue mobility, and thermodynamic stability) indicates that this missense variant is not expected to disrupt KMT2E protein function with a negative predictive value of 80%. In summary, the available evidence is currently insufficient to determine the role of this variant in disease. Therefore, it has been classified as a Variant of Uncertain Significance.

Blueprint Genetics
Classification: Likely benign. Last evaluated: 2024-09-12. Review status: criteria provided, single submitter. Criteria: ACMG Guidelines, 2015. Collection method: clinical testing. Allele origin: germline.

Ambry Genetics
Classification: Uncertain significance for Inborn genetic diseases. Last evaluated: 2022-05-27. Review status: criteria provided, single submitter. Criteria: Ambry Variant Classification Scheme 2023. Collection method: clinical testing. Allele origin: germline.

NM_182931.3(KMT2E):c.3500G>A (p.Arg1167His)

Gene: KMT2E (lysine methyltransferase 2E (inactive); plus strand). Cytogenetic location: 7q22.3.
Variant type: single nucleotide variant.
Coding change: c.3500G>A on transcript NM_182931.3 (MANE Select); coding-DNA position 3500, G replaced by A.
Protein change: p.Arg1167His; replaces arginine 1167 with histidine.
Molecular consequence: missense variant.
Genome position (GRCh38, 1-based): chr7:105,108,973, G>A. VCF-style: chr7-105108973-G-A. GRCh37 (hg19) VCF-style: chr7-104749420-G-A.
Other names: c.3500G>A, p.Arg1167His (NM_001410908.1, NM_018682.4); short protein forms R1167H.
Identifiers: ClinVar variation 2232054 (VCV002232054.6), dbSNP rs766272038, ClinGen allele CA4424508.